The following is an entry in ClinVar:

ClinVar aggregate classification (germline): Uncertain significance. Review status: criteria provided, multiple submitters, no conflicts (2 of 4 stars). 2 submissions from 2 submitters: Uncertain significance (2). Last evaluated 2026-01-13.

Conditions:
Hereditary cancer-predisposing syndrome. Also called: Neoplastic Syndromes, Hereditary; Tumor predisposition; Hereditary Cancer Syndrome; Hereditary neoplastic syndrome. Identifiers: Orphanet 140162, MedGen C0027672, MeSH D009386, MONDO:0015356.

Allele frequency attached by ClinVar (database versions not stated): gnomAD exomes below 0.00001.
gnomAD v4.1: 1 of 1,580,952 alleles (0.000063%); highest among the groups gnomAD compares: Non-Finnish European, 0.000086%; no homozygotes.

Submissions (2):

Ambry Genetics
Classification: Uncertain significance for Hereditary cancer-predisposing syndrome. Last evaluated: 2026-01-13. Review status: criteria provided, single submitter. Criteria: Ambry Variant Classification Scheme 2023. Collection method: clinical testing. Allele origin: germline.
Comment: The c.4953-3C>T intronic variant results from a C to T substitution 3 nucleotides upstream from coding exon 38 in the POLE gene. This nucleotide position is not well conserved in available vertebrate species. In silico splice site analysis predicts that this alteration will not have any significant effect on splicing. Based on the available evidence, the clinical significance of this variant remains unclear.

Labcorp Genetics (formerly Invitae), Labcorp
Classification: Uncertain significance. Last evaluated: 2022-01-11. Review status: criteria provided, single submitter. Criteria: Invitae Variant Classification Sherloc (09022015). Collection method: clinical testing. Allele origin: germline.
Comment: In summary, the available evidence is currently insufficient to determine the role of this variant in disease. Therefore, it has been classified as a Variant of Uncertain Significance. Variants that disrupt the consensus splice site are a relatively common cause of aberrant splicing (PMID: 17576681, 9536098). Algorithms developed to predict the effect of sequence changes on RNA splicing suggest that this variant may create or strengthen a splice site. This variant has not been reported in the literature in individuals affected with POLE-related conditions. This variant is not present in population databases (gnomAD no frequency). This sequence change falls in intron 37 of the POLE gene. It does not directly change the encoded amino acid sequence of the POLE protein. It affects a nucleotide within the consensus splice site.

Literature cited by the submitters: PubMed 17576681 (cited by Labcorp Genetics (formerly Invitae), Labcorp); PubMed 9536098 (cited by Labcorp Genetics (formerly Invitae), Labcorp).

NM_006231.4(POLE):c.4953-3C>T

Gene: POLE (DNA polymerase epsilon, catalytic subunit; minus strand). Cytogenetic location: 12q24.33.
Variant type: single nucleotide variant.
Coding change: c.4953-3C>T on transcript NM_006231.4 (MANE Select); 3 bases into the intron before coding-DNA position 4953, C replaced by T.
Molecular consequence: intron variant.
Genome position (GRCh38, 1-based): chr12:132,642,400, G>A on the plus strand (C>T on the coding strand, the complement: POLE is on the minus strand). VCF-style: chr12-132642400-G-A. GRCh37 (hg19) VCF-style: chr12-133218986-G-A.
Other names: c.4953-3C>T (NM_006231.2).
Identifiers: ClinVar variation 1510031 (VCV001510031.7), dbSNP rs2138532232, ClinGen allele CA2573148226.